The following is an entry in ClinVar:

NM_014495.4(ANGPTL3):c.926T>C (p.Leu309Pro)

Genes: ANGPTL3 (angiopoietin like 3; plus strand), DOCK7 (dedicator of cytokinesis 7; minus strand). Cytogenetic location: 1p31.3.
Variant type: single nucleotide variant.
Coding change: c.926T>C on transcript NM_014495.4 (MANE Select); coding-DNA position 926, T replaced by C.
Protein change: p.Leu309Pro; replaces leucine 309 with proline.
Molecular consequence: missense variant. On other transcripts: intron variant (7).
Genome position (GRCh38, 1-based): chr1:62,602,375, T>C. VCF-style: chr1-62602375-T-C. GRCh37 (hg19) VCF-style: chr1-63068046-T-C.
Other names: c.1683-15751A>G (NM_001272001.2, NM_001272000.2, NM_033407.4 and 4 more transcripts); short protein forms L309P.
Identifiers: ClinVar variation 2097260 (VCV002097260.4), dbSNP rs1306328327, ClinGen allele CA340605089.
Genomic context (GRCh38, chr1:62,602,375, plus strand): 5'-TAGATGGATCACAAAACTTCAATGAAACGTGGGAGAACTACAAATATGGTTTTGGGAGGC[T>C]TGATGGTAAGGGGACTACATTCAATCATTCATTCACTTGCTAATCTACAAATATTTACTG-3'
Protein context (NP_055310.1, residues 299-319): WENYKYGFGR[Leu309Pro]DGEFWLGLEK

ClinVar aggregate classification (germline): Uncertain significance (1 of 4 stars; one submission).

Allele frequency attached by ClinVar (database versions not stated): gnomAD exomes below 0.00001; TOPMed below 0.00001; gnomAD 0.00001.
gnomAD v4.1: 5 of 1,610,122 alleles (0.00031%); highest among the groups gnomAD compares: East Asian, 0.0022%; no homozygotes.

Submission:

Labcorp Genetics (formerly Invitae), Labcorp
Classification: Uncertain significance. Last evaluated: 2022-06-01. Review status: criteria provided, single submitter. Criteria: Invitae Variant Classification Sherloc (09022015). Collection method: clinical testing. Allele origin: germline.
Comment: This sequence change replaces leucine, which is neutral and non-polar, with proline, which is neutral and non-polar, at codon 309 of the ANGPTL3 protein (p.Leu309Pro). This variant is not present in population databases (gnomAD no frequency). This variant has not been reported in the literature in individuals affected with ANGPTL3-related conditions. Algorithms developed to predict the effect of missense changes on protein structure and function (SIFT, PolyPhen-2, Align-GVGD) all suggest that this variant is likely to be disruptive. In summary, the available evidence is currently insufficient to determine the role of this variant in disease. Therefore, it has been classified as a Variant of Uncertain Significance.